The following is an entry in ClinVar:

ClinVar aggregate classification (germline): Benign. Review status: criteria provided, multiple submitters, no conflicts (2 of 4 stars). 4 submissions from 4 submitters: Benign (4). Last evaluated 2018-06-19.

Allele frequency attached by ClinVar (database versions not stated): gnomAD exomes 0.05188 and 0.08041; ExAC 0.08193; ESP Exome Variant Server 0.08756; gnomAD 0.09326; 1000 Genomes Project 30x 0.15459; 1000 Genomes Project 0.15815; TOPMed 0.10971.
gnomAD v4.1: 90,746 of 1,601,862 alleles (5.7%); highest among the groups gnomAD compares: East Asian, 36%; 6,158 homozygotes.

Submissions (4):

GeneDx
Classification: Benign. Last evaluated: 2018-06-19. Review status: criteria provided, single submitter. Criteria: GeneDx Variant Classification (06012015). Collection method: clinical testing. Allele origin: germline. Affected: yes.
Comment: This variant is considered likely benign or benign based on one or more of the following criteria: it is a conservative change, it occurs at a poorly conserved position in the protein, it is predicted to be benign by multiple in silico algorithms, and/or has population frequency not consistent with disease.

Eurofins Ntd Llc (ga)
Classification: Benign. Last evaluated: 2012-11-16. Review status: criteria provided, single submitter. Criteria: EGL Classification Definitions 2015. Collection method: clinical testing. Allele origin: germline. Observed: 12 variant alleles, 12 heterozygotes.

Breakthrough Genomics
Classification: Benign. Review status: criteria provided, single submitter. Criteria: ACMG Guidelines, 2015. Collection method: not provided. Allele origin: germline. Inheritance: Autosomal recessive inheritance. Affected: yes.

PreventionGenetics, part of Exact Sciences
Classification: Benign. Review status: criteria provided, single submitter. Criteria: ACMG Guidelines, 2015. Collection method: clinical testing. Allele origin: germline.

NM_001849.4(COL6A2):c.714+45C>T

Gene: COL6A2 (collagen type VI alpha 2 chain; plus strand). Cytogenetic location: 21q22.3.
Variant type: single nucleotide variant.
Coding change: c.714+45C>T on transcript NM_001849.4 (MANE Select); 45 bases into the intron after coding-DNA position 714, C replaced by T.
Molecular consequence: intron variant.
Genome position (GRCh38, 1-based): chr21:46,112,622, C>T. VCF-style: chr21-46112622-C-T. GRCh37 (hg19) VCF-style: chr21-47532536-C-T.
Other names: c.714+45C>T (NM_058175.3, NM_058174.3).
Identifiers: ClinVar variation 93958 (VCV000093958.7), dbSNP rs2070957, ClinGen allele CA147511.